The following is an entry in ClinVar:

NM_001206927.2(DNAH8):c.4486C>T (p.Gln1496Ter)

Gene: DNAH8 (dynein axonemal heavy chain 8; plus strand). Cytogenetic location: 6p21.2.
Variant type: single nucleotide variant.
Coding change: c.4486C>T on transcript NM_001206927.2 (MANE Select); coding-DNA position 4486, C replaced by T.
Protein change: p.Gln1496Ter; replaces glutamine 1496 with a stop codon.
Molecular consequence: nonsense.
Genome position (GRCh38, 1-based): chr6:38,842,387, C>T. VCF-style: chr6-38842387-C-T. GRCh37 (hg19) VCF-style: chr6-38810163-C-T.
Other names: c.3835C>T, p.Gln1279Ter (NM_001371.4); short protein forms Q1496*, Q1279*.
Identifiers: ClinVar variation 4749693 (VCV004749693.1).

ClinVar aggregate classification (germline): Pathogenic (1 of 4 stars; one submission).

Conditions:
Primary ciliary dyskinesia. Also called: Ciliary dyskinesia. Identifiers: Orphanet 244, MedGen C0008780, MONDO:0016575, HP:0012265.

gnomAD v4.1: 21 of 1,604,094 alleles (0.0013%); highest among the groups gnomAD compares: Non-Finnish European, 0.0017%; no homozygotes.

Submission:

Labcorp Genetics (formerly Invitae), Labcorp
Classification: Pathogenic for Primary ciliary dyskinesia. Last evaluated: 2026-01-02. Review status: criteria provided, single submitter. Criteria: Invitae Variant Classification Sherloc (09022015). Collection method: clinical testing. Allele origin: germline.
Comment: This sequence change creates a premature translational stop signal (p.Gln1496*) in the DNAH8 gene. It is expected to result in an absent or disrupted protein product. Loss-of-function variants in DNAH8 are known to be pathogenic (PMID: 24307375, 32619401, 32681648). This variant is not present in population databases (gnomAD no frequency). This variant has not been reported in the literature in individuals affected with DNAH8-related conditions. For these reasons, this variant has been classified as Pathogenic.

Literature cited by the submitters: PubMed 24307375; PubMed 32619401; PubMed 32681648.